The following is an entry in ClinVar:

ClinVar aggregate classification (germline): Uncertain significance. Review status: criteria provided, multiple submitters, no conflicts (2 of 4 stars). 2 submissions from 2 submitters: Uncertain significance (2). Last evaluated 2026-04-21.

Conditions:
Intellectual developmental disorder, autosomal dominant 52. Also called: Intellectual disability, autosomal dominant 52; Mental retardation, autosomal dominant 52. Identifiers: MedGen C4540478, MONDO:0030918, OMIM 617796.

gnomAD v4.1: 6 of 1,614,010 alleles (0.00037%); highest among the groups gnomAD compares: Non-Finnish European, 0.00051%; no homozygotes.

Submissions (2):

Clinical Genomics Laboratory, Washington University in St. Louis
Classification: Uncertain significance for Intellectual developmental disorder, autosomal dominant 52. Last evaluated: 2026-04-21. Review status: criteria provided, single submitter. Criteria: ACMG Guidelines, 2015. Collection method: clinical testing. Allele origin: germline.
Comment: The ASH1L c.8851C>T (p.Arg2951*) variant, to our knowledge, has not been reported in the medical literature. This variant is only observed in 6/1,614,010 alleles in the general population (gnomAD v4.1.0), indicating it is not a common variant. This variant causes a premature termination codon; however, because this occurs in the last exon, this is not predicted to lead to nonsense-mediated decay. Due to limited information, and based on ACMG/AMP guidelines for variant interpretation (Richards S et al., PMID: 25741868), the clinical significance of this variant is uncertain at this time.

GeneDx
Classification: Uncertain significance. Last evaluated: 2024-10-13. Review status: criteria provided, single submitter. Criteria: GeneDx Variant Classification Process June 2021. Collection method: clinical testing. Allele origin: germline. Affected: yes.
Comment: Not observed at significant frequency in large population cohorts (gnomAD); Nonsense variant predicted to result in protein truncation as the last 14 amino acid(s) are lost; Has not been previously published as pathogenic or benign to our knowledge

NM_018489.3(ASH1L):c.8851C>T (p.Arg2951Ter)

Gene: ASH1L (ASH1 like histone lysine methyltransferase; minus strand). Cytogenetic location: 1q22.
Variant type: single nucleotide variant.
Coding change: c.8851C>T on transcript NM_018489.3 (MANE Select); coding-DNA position 8851, C replaced by T.
Protein change: p.Arg2951Ter; replaces arginine 2951 with a stop codon.
Molecular consequence: nonsense.
Genome position (GRCh38, 1-based): chr1:155,337,704, G>A on the plus strand (C>T on the coding strand, the complement: ASH1L is on the minus strand). VCF-style: chr1-155337704-G-A. GRCh37 (hg19) VCF-style: chr1-155307495-G-A.
Other names: c.8866C>T, p.Arg2956Ter (NM_001366177.2); short protein forms R2951*, R2956*.
Identifiers: ClinVar variation 3777349 (VCV003777349.2).